The following is an entry in ClinVar:

ClinVar aggregate classification (germline): Uncertain significance (1 of 4 stars; one submission).

Conditions:
Hyperprolinemia type 2 (HYRPRO2). Also called: Deficiency of pyrroline-5-carboxylate reductase; Delta-1-pyrroline-5-carboxylate dehydrogenase deficiency; 1-PYRROLINE-5-CARBOXYLATE DEHYDROGENASE DEFICIENCY. Identifiers: Orphanet 79101, MedGen C2931835, MONDO:0009401, OMIM 239510.

Allele frequency attached by ClinVar (database versions not stated): gnomAD exomes below 0.00001 and 0.00001; TOPMed below 0.00001.
gnomAD v4.1: 17 of 1,614,192 alleles (0.0011%); highest among the groups gnomAD compares: Non-Finnish European, 0.0014%; no homozygotes.

Submission:

Labcorp Genetics (formerly Invitae), Labcorp
Classification: Uncertain significance for Hyperprolinemia type 2. Last evaluated: 2020-09-07. Review status: criteria provided, single submitter. Criteria: Invitae Variant Classification Sherloc (09022015). Collection method: clinical testing. Allele origin: germline.
Comment: This sequence change replaces glycine with serine at codon 502 of the ALDH4A1 protein (p.Gly502Ser). The glycine residue is highly conserved and there is a small physicochemical difference between glycine and serine. This variant is not present in population databases (ExAC no frequency). This variant has not been reported in the literature in individuals with ALDH4A1-related conditions. Algorithms developed to predict the effect of missense changes on protein structure and function (SIFT, PolyPhen-2, Align-GVGD) all suggest that this variant is likely to be disruptive, but these predictions have not been confirmed by published functional studies and their clinical significance is uncertain. In summary, the available evidence is currently insufficient to determine the role of this variant in disease. Therefore, it has been classified as a Variant of Uncertain Significance.

NM_003748.4(ALDH4A1):c.1504G>A (p.Gly502Ser)

Gene: ALDH4A1 (aldehyde dehydrogenase 4 family member A1; minus strand). Cytogenetic location: 1p36.13.
Variant type: single nucleotide variant.
Coding change: c.1504G>A on transcript NM_003748.4 (MANE Select); coding-DNA position 1504, G replaced by A.
Protein change: p.Gly502Ser; replaces glycine 502 with serine.
Molecular consequence: missense variant.
Genome position (GRCh38, 1-based): chr1:18,874,538, C>T on the plus strand (G>A on the coding strand, the complement: ALDH4A1 is on the minus strand). VCF-style: chr1-18874538-C-T. GRCh37 (hg19) VCF-style: chr1-19201032-C-T.
Other names: c.1324G>A, p.Gly442Ser (NM_001161504.2); c.1351G>A, p.Gly451Ser (NM_001319218.2); c.1504G>A, p.Gly502Ser (NM_170726.3); short protein forms G442S, G451S, G502S.
Identifiers: ClinVar variation 1004782 (VCV001004782.9), dbSNP rs766982473, ClinGen allele CA18772220.